The following is an entry in ClinVar:

ClinVar aggregate classification (germline): Uncertain significance. Review status: criteria provided, multiple submitters, no conflicts (2 of 4 stars). 4 submissions from 4 submitters: Uncertain significance (4). Last evaluated 2026-01-05.

Conditions:
Neuroblastoma, susceptibility to, 3. Also called: ALK-Related Neuroblastic Tumor Susceptibility. Identifiers: Orphanet 635, MedGen C2751681, MONDO:0013083, OMIM 613014.
Hereditary cancer-predisposing syndrome. Also called: Neoplastic Syndromes, Hereditary; Tumor predisposition; Hereditary Cancer Syndrome; Hereditary neoplastic syndrome. Identifiers: Orphanet 140162, MedGen C0027672, MeSH D009386, MONDO:0015356.

Allele frequency attached by ClinVar (database versions not stated): ExAC 0.00002; gnomAD 0.00006; TOPMed 0.00008.
gnomAD v4.1: 43 of 1,613,954 alleles (0.0027%); highest among the groups gnomAD compares: African/African-American, 0.017%; no homozygotes.

Submissions (4):

Labcorp Genetics (formerly Invitae), Labcorp
Classification: Uncertain significance for Neuroblastoma, susceptibility to, 3. Last evaluated: 2026-01-05. Review status: criteria provided, single submitter. Criteria: Invitae Variant Classification Sherloc (09022015). Collection method: clinical testing. Allele origin: germline.
Comment: This sequence change replaces glycine, which is neutral and non-polar, with arginine, which is basic and polar, at codon 1137 of the ALK protein (p.Gly1137Arg). This variant is present in population databases (rs762571775, gnomAD 0.008%). This variant has not been reported in the literature in individuals affected with ALK-related conditions. ClinVar contains an entry for this variant (Variation ID: 538248). An algorithm developed to predict the effect of missense changes on protein structure and function (PolyPhen-2) suggests that this variant is likely to be disruptive. In summary, the available evidence is currently insufficient to determine the role of this variant in disease. Therefore, it has been classified as a Variant of Uncertain Significance.

GeneDx
Classification: Uncertain significance. Last evaluated: 2024-04-03. Review status: criteria provided, single submitter. Criteria: GeneDx Variant Classification Process June 2021. Collection method: clinical testing. Allele origin: germline. Affected: yes.
Comment: In silico analysis supports that this missense variant has a deleterious effect on protein structure/function; Observed in an individual with breast cancer (PMID: 29625052); This variant is associated with the following publications: (PMID: 24618431, 36451132, 29625052)

Baylor Genetics
Classification: Uncertain significance for Neuroblastoma, susceptibility to, 3. Last evaluated: 2024-03-19. Review status: criteria provided, single submitter. Criteria: ACMG Guidelines, 2015. Collection method: clinical testing. Allele origin: unknown.

Ambry Genetics
Classification: Uncertain significance for Hereditary cancer-predisposing syndrome. Last evaluated: 2022-11-15. Review status: criteria provided, single submitter. Criteria: Ambry General Variant Classification Scheme_2022. Collection method: clinical testing. Allele origin: germline.
Comment: The p.G1137R variant (also known as c.3409G>A), located in coding exon 21 of the ALK gene, results from a G to A substitution at nucleotide position 3409. The glycine at codon 1137 is replaced by arginine, an amino acid with dissimilar properties. This amino acid position is well conserved in available vertebrate species. In addition, the in silico prediction for this alteration is inconclusive. Since supporting evidence is limited at this time, the clinical significance of this alteration remains unclear.

NM_004304.5(ALK):c.3409G>A (p.Gly1137Arg)

Gene: ALK (ALK receptor tyrosine kinase; minus strand). Cytogenetic location: 2p23.2.
Variant type: single nucleotide variant.
Coding change: c.3409G>A on transcript NM_004304.5 (MANE Select); coding-DNA position 3409, G replaced by A.
Protein change: p.Gly1137Arg; replaces glycine 1137 with arginine.
Molecular consequence: missense variant.
Genome position (GRCh38, 1-based): chr2:29,222,558, C>T on the plus strand (G>A on the coding strand, the complement: ALK is on the minus strand). VCF-style: chr2-29222558-C-T. GRCh37 (hg19) VCF-style: chr2-29445424-C-T.
Other names: c.205G>A, p.Gly69Arg (NM_001353765.2); short protein forms G1137R, G69R.
Identifiers: ClinVar variation 538248 (VCV000538248.19), dbSNP rs762571775, ClinGen allele CA1593962.